The following continues an entry in ClinVar:

NM_007254.4(PNKP):c.1029+2T>C

Gene: PNKP. ClinVar aggregate classification (germline): Conflicting classifications of pathogenicity. Pathogenic (16); Likely pathogenic (11); Uncertain significance (3).

Submissions 23 to 39 of 39:

Laboratory for Molecular Medicine, Mass General Brigham Personalized Medicine
Classification: Uncertain significance. Last evaluated: 2020-06-24. Review status: criteria provided, single submitter. Criteria: LMM Criteria. Collection method: clinical testing. Allele origin: germline. Observed: 1 variant allele.
Comment: Variant classified as Uncertain Significance - Favor Pathogenic. The c.1029+2T>C variant in PNKP has been reported in the compound heterozygous state in one individual with Ataxia with Oculomotor Apraxia Type 4 and their affected sibling (Rudenskaya 2019 PMID: 31061747). It has also been identified in 3 individuals with epilepsy (Lindy 2018 PMID: 29655203, Stanek 2018 PMID: 29720203, Coll 2017 PMID: 29261713). It has also been reported by other clinical laboratories in ClinVar (Variation ID:206401) and has been identified in 0.2% (147/70858) of European chromosomes by gnomAD. This variant occurs within the canonical splice site (+/- 1,2) and is predicted to cause altered splicing leading to an abnormal or absent protein. However, exon 11, which is affected by this variant, is in frame and consists of only 93 base pairs and encodes less than 10% of the PNKP protein. The PNKP gene has been definitively been associated with autosomal recessive ataxia with oculomotor apraxia and with microcephaly, seizures, and developmental delay. However, there is limited evidence regarding its association with epilepsy. In summary, while there is some suspicion for a pathogenic role, the clinical significance of this variant is uncertain for autosomal recessive ataxia with oculomotor apraxia. ACMG/AMP Criteria applied: PVS1_Moderate, PM3, PP1_Supporting.

Centre for Mendelian Genomics, University Medical Centre Ljubljana
Classification: Likely pathogenic for Ataxia - oculomotor apraxia type 4. Last evaluated: 2020-04-02. Review status: criteria provided, single submitter. Criteria: ACMG Guidelines, 2015. Collection method: clinical testing. Allele origin: unknown. Affected: yes.
Comment: This variant was classified as: Likely pathogenic. The following ACMG criteria were applied in classifying this variant: PVS1,PM2.

Cambridge Genomics Laboratory, East Genomic Laboratory Hub, NHS Genomic Medicine Service
Classification: Uncertain significance for Microcephaly. Last evaluated: 2019-09-03. Review status: criteria provided, single submitter. Criteria: ACGS Best Practice Guidelines for Variant Classification in Rare Disease 2020. Collection method: clinical testing. Allele origin: germline. Affected: yes. Observed: 1 variant allele.

Institute of Human Genetics, University of Leipzig Medical Center
Classification: Likely pathogenic for Microcephaly, seizures, and developmental delay. Last evaluated: 2019-01-01. Review status: criteria provided, single submitter. Criteria: ACMG Guidelines, 2015. Collection method: clinical testing. Allele origin: unknown. Affected: yes.
Comment: This variant was identified as compound heterozygous.

Genome Diagnostics Laboratory, University Medical Center Utrecht
Classification: Pathogenic for Microcephaly, seizures, and developmental delay. Last evaluated: 2017-07-28. Review status: criteria provided, single submitter. Criteria: ACGS Guidelines, 2013. Collection method: clinical testing. Allele origin: germline. Affected: yes. Study: VKGL Data-share Consensus.

Clinical Genetics DNA and cytogenetics Diagnostics Lab, Erasmus MC, Erasmus Medical Center
Classification: Pathogenic for Microcephaly, seizures, and developmental delay. Last evaluated: 2017-05-31. Review status: criteria provided, single submitter. Criteria: ACGS Guidelines, 2013. Collection method: clinical testing. Allele origin: germline. Affected: yes. Study: VKGL Data-share Consensus.

Genetic Services Laboratory, University of Chicago
Classification: Likely pathogenic for Microcephaly, seizures, and developmental delay. Last evaluated: 2015-10-01. Review status: criteria provided, single submitter. Criteria: ACMG Guidelines, 2015. Collection method: clinical testing. Allele origin: germline. Affected: yes.

Center for Genomics, Ann and Robert H. Lurie Children's Hospital of Chicago
Classification: Likely pathogenic for Charcot-Marie-Tooth disease type 2B2; Ataxia - oculomotor apraxia type 4; Microcephaly, seizures, and developmental delay. Review status: criteria provided, single submitter. Criteria: ACMG Guidelines, 2015. Collection method: clinical testing. Allele origin: germline.
Comment: This variant has been reported in the literature in the compound heterozygous state in at least 2 individuals with features of ataxia with oculomotor apraxia type 4 (AOA4) segregating with disease in 2 affected family members. This variant has also been identified in the heterozygous state in at least 3 individuals with epilepsy; however, at least 1 author has called into question the pathogenicity of this variant (Coll 2017 PMID:29261713, Stanek 2018 PMID:29720203, Lindy 2018 PMID:29655203, Rudenskaya 2019 PMID:310617747, Freitas 2021 PMID:33654647). This variant is present in the Genome Aggregation Database (Highest reported MAF 0.2% (127/65136). This variant is present in ClinVar, with several labs classifying this variant as Pathogenic or Likely Pathogenic; however, at least 1 laboratory has submitted a classification of Likely Benign for this variant (Variation ID:206401). Evolutionary conservation and computational predictive tools for this variant are limited or unavailable. RNA studies predict that this variant will impact the protein with altered splicing (Wai 2020 PMID:32123317). However, these studies may not accurately represent in vivo biological function. Of note, this variant alters the consensus splice sequence (+/- 1,2) which is predicted to result in an absent or abnormal protein. Loss of function variants are a known mechanism of disease for this gene (Dumitrache 2017 PMID:27125728). However, this variant is expected to alter exon 11; this exon is in frame and represents less than 10% of the total protein. In summary, data on this variant is highly suspicious for disease, but requires further evidence for pathogenicity. Therefore, this variant is classified as likely pathogenic.

Zotz-Klimas Genetics Lab, MVZ Zotz Klimas
Classification: Likely pathogenic for Microcephaly, seizures, and developmental delay. Last evaluated: 2023-10-09. Review status: no assertion criteria provided. Collection method: clinical testing. Allele origin: germline. Affected: yes. Not counted in ClinVar's aggregate classification.

Diagnostic Laboratory, Department of Genetics, University Medical Center Groningen
Classification: Pathogenic. Review status: no assertion criteria provided. Collection method: clinical testing. Allele origin: germline. Affected: yes. Study: VKGL Data-share Consensus. Not counted in ClinVar's aggregate classification.

Diagnostic Laboratory, Strasbourg University Hospital
Classification: Likely pathogenic for Abnormal cerebral morphology. Review status: no assertion criteria provided. Collection method: clinical testing. Allele origin: maternal. Affected: yes. Observed: 1 compound heterozygote. Not counted in ClinVar's aggregate classification.

Dr. Peter K. Rogan Lab, Western University
No classification provided (evidence only). Condition: Colon adenocarcinoma. Review status: no classification provided. Collection method: in vitro. Allele origin: not applicable. Functional consequence: skipped exon, retained intron. Not counted in ClinVar's aggregate classification.

Dr. Peter K. Rogan Lab, Western University
No classification provided (evidence only). Condition: Uterine corpus endometrial carcinoma. Review status: no classification provided. Collection method: in vitro. Allele origin: not applicable. Functional consequence: skipped exon, retained intron. Not counted in ClinVar's aggregate classification.

Dr. Peter K. Rogan Lab, Western University
No classification provided (evidence only). Condition: Hepatocellular carcinoma. Review status: no classification provided. Collection method: in vitro. Allele origin: not applicable. Functional consequence: skipped exon, retained intron. Not counted in ClinVar's aggregate classification.

Dr. Peter K. Rogan Lab, Western University
No classification provided (evidence only). Condition: Ovarian serous cystadenocarcinoma. Review status: no classification provided. Collection method: in vitro. Allele origin: not applicable. Functional consequence: skipped exon, retained intron. Not counted in ClinVar's aggregate classification.

Dr. Peter K. Rogan Lab, Western University
No classification provided (evidence only). Condition: Adrenocortical carcinoma, hereditary. Review status: no classification provided. Collection method: in vitro. Allele origin: not applicable. Functional consequence: retained intron. Not counted in ClinVar's aggregate classification.

Joint Genome Diagnostic Labs from Nijmegen and Maastricht, Radboudumc and MUMC+
Classification: Likely pathogenic. Review status: no assertion criteria provided. Collection method: clinical testing. Allele origin: germline. Affected: yes. Study: VKGL Data-share Consensus. Not counted in ClinVar's aggregate classification.

Literature cited by the submitters: PubMed 31061747 (cited by 7 submitters); PubMed 34697416 (cited by 6 submitters); PubMed 37301908 (cited by 5 submitters); PubMed 33654647 (cited by 7 submitters); PubMed 20118933 (cited by Variantyx, Inc.); PubMed 25728773 (cited by Variantyx, Inc.); PubMed 29261713 (cited by 3 submitters); PubMed 29655203 (cited by 3 submitters); PubMed 29720203 (cited by Mayo Clinic Laboratories, Mayo Clinic and Athena Diagnostics); PubMed 32123317 (cited by 5 submitters); PubMed 38523675 (cited by Athena Diagnostics); PubMed 38707135 (cited by Athena Diagnostics); PubMed 31131953 (cited by Ambry Genetics).